The following is an entry in ClinVar:

NM_016417.3(GLRX5):c.81G>C (p.Pro27=)

Gene: GLRX5 (glutaredoxin 5; plus strand). Cytogenetic location: 14q32.13.
Variant type: single nucleotide variant.
Coding change: c.81G>C on transcript NM_016417.3 (MANE Select); coding-DNA position 81, G replaced by C.
Protein change: p.Pro27=; no amino-acid change (proline 27 retained).
Molecular consequence: synonymous variant.
Genome position (GRCh38, 1-based): chr14:95,535,170, G>C. VCF-style: chr14-95535170-G-C. GRCh37 (hg19) VCF-style: chr14-96001507-G-C.
Identifiers: ClinVar variation 392388 (VCV000392388.1), dbSNP rs1057524469, ClinGen allele CA16606630.
Genomic context (GRCh38, chr14:95,535,170, plus strand): 5'-AGCTGCGGCGGCTCTGCTCCGCTGGGGGCGCGGCGCGGGCGGCGGTGGCCTTTGGGGTCC[G>C]GGCGTGCGGGCGGCGGGCTCGGGCGCGGGCGGCGGCGGCTCGGCGGAGCAGTTGGACGCG-3'
Protein context (NP_057501.2, residues 17-37): RGAGGGGLWG[Pro27=]GVRAAGSGAG

ClinVar aggregate classification (germline): Likely benign (1 of 4 stars; one submission).

Allele frequency attached by ClinVar (database versions not stated): gnomAD below 0.00001 and 0.00001; gnomAD exomes below 0.00001.
gnomAD v4.1: 4 of 1,456,074 alleles (0.00027%); highest among the groups gnomAD compares: South Asian, 0.0014%; no homozygotes.

Submission:

GeneDx
Classification: Likely benign. Last evaluated: 2017-01-05. Review status: criteria provided, single submitter. Criteria: GeneDx Variant Classification (06012015). Collection method: clinical testing. Allele origin: germline. Affected: yes.
Comment: This variant is considered likely benign or benign based on one or more of the following criteria: it is a conservative change, it occurs at a poorly conserved position in the protein, it is predicted to be benign by multiple in silico algorithms, and/or has population frequency not consistent with disease.